The following is an entry in ClinVar:

ClinVar aggregate classification (germline): Uncertain significance (1 of 4 stars; one submission).

Submissions (2):

GeneDx
Classification: Uncertain significance. Last evaluated: 2026-03-20. Review status: criteria provided, single submitter. Criteria: GeneDx Variant Classification Process June 2021. Collection method: clinical testing. Allele origin: germline.
Comment: Not observed at significant frequency in large population cohorts (gnomAD); In silico analysis supports that this missense variant has a deleterious effect on protein structure/function; Has not been previously published as pathogenic or benign to our knowledge; In silico analysis is inconclusive as to whether the variant alters gene splicing. In the absence of RNA/functional studies, the actual effect of this sequence change is unknown.

Dr. Peter K. Rogan Lab, Western University
No classification provided (evidence only). Condition: Thyroid cancer, nonmedullary, 1. Review status: no classification provided. Collection method: in vitro. Allele origin: not applicable. Functional consequence: retained intron. Not counted in ClinVar's aggregate classification.

NM_001081550.2(THOC2):c.4450G>T (p.Asp1484Tyr)

Gene: THOC2 (THO complex subunit 2; minus strand). Cytogenetic location: Xq25.
Variant type: single nucleotide variant.
Coding change: c.4450G>T on transcript NM_001081550.2 (MANE Select); coding-DNA position 4450, G replaced by T.
Protein change: p.Asp1484Tyr; replaces aspartic acid 1484 with tyrosine.
Molecular consequence: missense variant.
Genome position (GRCh38, 1-based): chrX:123,613,708, C>A on the plus strand (G>T on the coding strand, the complement: THOC2 is on the minus strand). VCF-style: chrX-123613708-C-A. GRCh37 (hg19) VCF-style: chrX-122747559-C-A.
Other names: NC_000023.10:g.122747559C>A; c.4531G>T, p.Asp1511Tyr (NM_001441235.1); c.4450G>T, p.Asp1484Tyr (NM_001441236.1); c.4450G>T (NM_001081550.1); short protein forms D1484Y, D1511Y.
Identifiers: ClinVar variation 4468223 (VCV004468223.2).
Genomic context (GRCh38, chrX:123,613,708, plus strand): 5'-TCTCCTCTTTACGTCTCTTGGTTAAGTCCGGTGGCACTTCACGGTCGTTGTTTGAGTGAT[C>A]CTAGAACCAAGAATTGTGAACTACATTGACCAAGGGCTTCTGTTTTTGTTTTAAAGTATT-3'
Protein context (NP_001075019.1, residues 1474-1494): DEKDRKERKR[Asp1484Tyr]HSNNDREVPP